The following is an entry in ClinVar:

NM_001376.5(DYNC1H1):c.5896C>T (p.Arg1966Trp)

Gene: DYNC1H1 (dynein cytoplasmic 1 heavy chain 1; plus strand). Cytogenetic location: 14q32.31.
Variant type: single nucleotide variant.
Coding change: c.5896C>T on transcript NM_001376.5 (MANE Select); coding-DNA position 5896, C replaced by T.
Protein change: p.Arg1966Trp; replaces arginine 1966 with tryptophan.
Molecular consequence: missense variant.
Genome position (GRCh38, 1-based): chr14:102,008,256, C>T. VCF-style: chr14-102008256-C-T. GRCh37 (hg19) VCF-style: chr14-102474593-C-T.
Other names: short protein forms R1966W.
Identifiers: ClinVar variation 2663732 (VCV002663732.2), dbSNP rs2503746925, ClinGen allele CA391051529.

ClinVar aggregate classification (germline): Uncertain significance (1 of 4 stars; one submission).

Submission:

GeneDx
Classification: Uncertain significance. Last evaluated: 2026-04-14. Review status: criteria provided, single submitter. Criteria: GeneDx Variant Classification Process June 2021. Collection method: clinical testing. Allele origin: germline.
Comment: Not observed at significant frequency in large population cohorts (gnomAD); In silico analysis supports that this missense variant has a deleterious effect on protein structure/function; De novo variant with confirmed parentage in patients referred for genetic testing at GeneDx with reported clinical features that are only partially consistent with the features typically observed in individuals with pathogenic variants in this gene; Has not been previously published as pathogenic or benign to our knowledge; This variant is associated with the following publications: (PMID: 26100331, 25609763, 25512093)